The following is an entry in ClinVar:

NM_004304.5(ALK):c.3455T>A (p.Leu1152Gln)

Gene: ALK (ALK receptor tyrosine kinase; minus strand). Cytogenetic location: 2p23.2.
Variant type: single nucleotide variant.
Coding change: c.3455T>A on transcript NM_004304.5 (MANE Select); coding-DNA position 3455, T replaced by A.
Protein change: p.Leu1152Gln; replaces leucine 1152 with glutamine.
Molecular consequence: missense variant.
Genome position (GRCh38, 1-based): chr2:29,222,404, A>T on the plus strand (T>A on the coding strand, the complement: ALK is on the minus strand). VCF-style: chr2-29222404-A-T. GRCh37 (hg19) VCF-style: chr2-29445270-A-T.
Other names: c.251T>A, p.Leu84Gln (NM_001353765.2); short protein forms L84Q, L1152Q.
Identifiers: ClinVar variation 3655266 (VCV003655266.2).

ClinVar aggregate classification (germline): Uncertain significance (1 of 4 stars; one submission).

Conditions:
Neuroblastoma, susceptibility to, 3. Also called: ALK-Related Neuroblastic Tumor Susceptibility. Identifiers: Orphanet 635, MedGen C2751681, MONDO:0013083, OMIM 613014.

Submission:

Labcorp Genetics (formerly Invitae), Labcorp
Classification: Uncertain significance for Neuroblastoma, susceptibility to, 3. Last evaluated: 2024-07-15. Review status: criteria provided, single submitter. Criteria: Invitae Variant Classification Sherloc (09022015). Collection method: clinical testing. Allele origin: germline.
Comment: This sequence change replaces leucine, which is neutral and non-polar, with glutamine, which is neutral and polar, at codon 1152 of the ALK protein (p.Leu1152Gln). This variant is not present in population databases (gnomAD no frequency). This variant has not been reported in the literature in individuals affected with ALK-related conditions. An algorithm developed to predict the effect of missense changes on protein structure and function (PolyPhen-2) suggests that this variant is likely to be disruptive. In summary, the available evidence is currently insufficient to determine the role of this variant in disease. Therefore, it has been classified as a Variant of Uncertain Significance.